The following is an entry in ClinVar:

ClinVar aggregate classification (germline): Uncertain significance (1 of 4 stars; one submission).

Allele frequency attached by ClinVar (database versions not stated): ExAC 0.00002; gnomAD 0.00001; 1000 Genomes Project 30x 0.00016; 1000 Genomes Project 0.00020.
gnomAD v4.1: 5 of 1,613,760 alleles (0.00031%); highest among the groups gnomAD compares: East Asian, 0.0089%; no homozygotes.

Submission:

Labcorp Genetics (formerly Invitae), Labcorp
Classification: Uncertain significance. Last evaluated: 2022-11-15. Review status: criteria provided, single submitter. Criteria: Invitae Variant Classification Sherloc (09022015). Collection method: clinical testing. Allele origin: germline.
Comment: In summary, the available evidence is currently insufficient to determine the role of this variant in disease. Therefore, it has been classified as a Variant of Uncertain Significance. Advanced modeling of protein sequence and biophysical properties (such as structural, functional, and spatial information, amino acid conservation, physicochemical variation, residue mobility, and thermodynamic stability) performed at Invitae indicates that this missense variant is expected to disrupt FBXL4 protein function. This variant has not been reported in the literature in individuals affected with FBXL4-related conditions. This variant is present in population databases (rs549380000, gnomAD 0.01%). This sequence change replaces proline, which is neutral and non-polar, with serine, which is neutral and polar, at codon 6 of the FBXL4 protein (p.Pro6Ser).

NM_001278716.2(FBXL4):c.16C>T (p.Pro6Ser)

Gene: FBXL4 (F-box and leucine rich repeat protein 4; minus strand). Cytogenetic location: 6q16.2.
Variant type: single nucleotide variant.
Coding change: c.16C>T on transcript NM_001278716.2 (MANE Select); coding-DNA position 16, C replaced by T.
Protein change: p.Pro6Ser; replaces proline 6 with serine.
Molecular consequence: missense variant. On other transcripts: non-coding transcript variant (2).
Genome position (GRCh38, 1-based): chr6:98,926,973, G>A on the plus strand (C>T on the coding strand, the complement: FBXL4 is on the minus strand). VCF-style: chr6-98926973-G-A. GRCh37 (hg19) VCF-style: chr6-99374849-G-A.
Other names: c.16C>T, p.Pro6Ser (NM_012160.5); short protein forms P6S.
Identifiers: ClinVar variation 2052038 (VCV002052038.4), dbSNP rs549380000, ClinGen allele CA3933766.